The following is an entry in ClinVar:

ClinVar aggregate classification (germline): Conflicting classifications of pathogenicity. Review status: criteria provided, conflicting classifications (1 of 4 stars). 2 submissions from 2 submitters: Uncertain significance (1); Likely benign (1). Last evaluated 2024-01-01.

Conditions:
Inborn genetic diseases. Identifiers: MedGen C0950123, MeSH D030342.

Allele frequency attached by ClinVar (database versions not stated): gnomAD exomes 0.00001; ExAC 0.00003; TOPMed 0.00008; gnomAD 0.00009.

Submissions (2):

Labcorp Genetics (formerly Invitae), Labcorp
Classification: Uncertain significance. Last evaluated: 2024-01-01. Review status: criteria provided, single submitter. Criteria: Invitae Variant Classification Sherloc (09022015). Collection method: clinical testing. Allele origin: germline.
Comment: This sequence change replaces methionine, which is neutral and non-polar, with valine, which is neutral and non-polar, at codon 1540 of the DOCK6 protein (p.Met1540Val). This variant is present in population databases (rs777612317, gnomAD 0.02%). This variant has not been reported in the literature in individuals affected with DOCK6-related conditions. Advanced modeling of protein sequence and biophysical properties (such as structural, functional, and spatial information, amino acid conservation, physicochemical variation, residue mobility, and thermodynamic stability) performed at Invitae indicates that this missense variant is not expected to disrupt DOCK6 protein function with a negative predictive value of 80%. In summary, the available evidence is currently insufficient to determine the role of this variant in disease. Therefore, it has been classified as a Variant of Uncertain Significance.

Ambry Genetics
Classification: Likely benign for Inborn genetic diseases. Last evaluated: 2023-09-22. Review status: criteria provided, single submitter. Criteria: Ambry Variant Classification Scheme 2023. Collection method: clinical testing. Allele origin: germline.

NM_020812.4(DOCK6):c.4618A>G (p.Met1540Val)

Genes: DOCK6 (dedicator of cytokinesis 6; minus strand), DOCK6-AS1 (DOCK6 antisense RNA 1; plus strand). Cytogenetic location: 19p13.2.
Variant type: single nucleotide variant.
Coding change: c.4618A>G on transcript NM_020812.4 (MANE Select); coding-DNA position 4618, A replaced by G.
Protein change: p.Met1540Val; replaces methionine 1540 with valine.
Molecular consequence: missense variant.
Genome position (GRCh38, 1-based): chr19:11,212,025, T>C on the plus strand (A>G on the coding strand, the complement: DOCK6 is on the minus strand). VCF-style: chr19-11212025-T-C. GRCh37 (hg19) VCF-style: chr19-11322701-T-C.
Other names: c.4723A>G, p.Met1575Val (NM_001367830.1); c.4618A>G (NM_020812.2); short protein forms M1540V, M1575V.
Identifiers: ClinVar variation 2898843 (VCV002898843.2), dbSNP rs777612317, ClinGen allele CA9206788.
Genomic context (GRCh38, chr19:11,212,025, plus strand): 5'-GGCGGGGCGGGGACCCAGCAGGTGTCACCTGCTCTGCGAAGGTGCTGTCCCGCAGCCCCA[T>C]GTCCTCCTCAGCATAGGTGAGGATGGTTTTGAGTGAACGTCGCAGGTGCTCTTCACTGAA-3'
Protein context (NP_065863.2, residues 1530-1550): KTILTYAEED[Met1540Val]GLRDSTFAEQ